The following is an entry in ClinVar:

NM_000179.3(MSH6):c.1474_1475delinsGA (p.Met492Glu)

Gene: MSH6 (mutS homolog 6; plus strand). Cytogenetic location: 2p16.3.
Variant type: Indel.
Coding change: c.1474_1475delinsGA on transcript NM_000179.3 (MANE Select); coding-DNA positions 1474 to 1475, AT replaced by GA.
Protein change: p.Met492Glu; replaces methionine 492 with glutamic acid.
Molecular consequence: missense variant. On other transcripts: non-coding transcript variant (4), intron variant (1).
Genome position (GRCh38, 1-based): chr2:47,799,457-47,799,458, AT replaced by GA. VCF-style: chr2-47799457-AT-GA. GRCh37 (hg19) VCF-style: chr2-48026596-AT-GA.
Other names: c.1084_1085delinsGA, p.Met362Glu (NM_001281492.2); c.568_569delinsGA, p.Met190Glu (NM_001281493.2, NM_001281494.2, NM_001406811.1 and 6 more transcripts); c.1570_1571delinsGA, p.Met524Glu (NM_001406795.1, NM_001406802.1); c.1474_1475delinsGA, p.Met492Glu (NM_001406796.1, NM_001406798.1, NM_001406800.1 and 4 more transcripts); c.1177_1178delinsGA, p.Met393Glu (NM_001406797.1, NM_001406801.1, NM_001406805.1 and 10 more transcripts); c.949_950delinsGA, p.Met317Glu (NM_001406799.1, NM_001406806.1, NM_001406807.1); c.1396_1397delinsGA, p.Met466Glu (NM_001406804.1); c.1480_1481delinsGA, p.Met494Glu (NM_001406813.1); and 2 more; short protein forms M317E, M362E, M436E, M466E, M393E, M492E, M494E, M190E.
Identifiers: ClinVar variation 3875098 (VCV003875098.1).

ClinVar aggregate classification (germline): Uncertain significance (1 of 4 stars; one submission).

Conditions:
Hereditary cancer-predisposing syndrome. Also called: Tumor predisposition; Neoplastic Syndromes, Hereditary; Hereditary Cancer Syndrome; Hereditary neoplastic syndrome. Identifiers: Orphanet 140162, MedGen C0027672, MeSH D009386, MONDO:0015356.

Submission:

Ambry Genetics
Classification: Uncertain significance for Hereditary cancer-predisposing syndrome. Last evaluated: 2025-03-13. Review status: criteria provided, single submitter. Criteria: Ambry Variant Classification Scheme 2023. Collection method: clinical testing. Allele origin: germline.
Comment: The c.1474_1475delATinsGA variant (also known as p.M492E), located in coding exon 4 of the MSH6 gene, results from an in-frame deletion of AT and insertion of GA at nucleotide positions 1474 to 1475. This results in the substitution of the methionine residue for a glutamic acid residue at codon 492, an amino acid with dissimilar properties. This amino acid position is highly conserved in available vertebrate species. Based on the available evidence, the clinical significance of this variant remains unclear.